The following is an entry in ClinVar:

NM_015161.3(ARL6IP1):c.533dup (p.Ile179fs)

Gene: ARL6IP1 (ARL6 interacting reticulophagy regulator 1; minus strand). Cytogenetic location: 16p12.3.
Variant type: Duplication.
Coding change: c.533dup on transcript NM_015161.3 (MANE Select); coding-DNA position 533, one base duplicated (G; older notation c.533dupG).
Protein change: p.Ile179fs; shifts the reading frame from isoleucine 179.
Molecular consequence: frameshift variant.
Genome position (GRCh38, 1-based): chr16:18,793,331, C duplicated on the plus strand (G on the coding strand, the reverse complement: ARL6IP1 is on the minus strand); the first of 2 consecutive C bases (chr16:18,793,331-18,793,332); duplicating either gives the same sequence. VCF-style (leftmost placement, unchanged base first): chr16-18793330-T-TC. GRCh37 (hg19) VCF-style: chr16-18804652-T-TC.
Other names: c.446dup, p.Ile150fs (NM_001313858.1); short protein forms I150fs, I179fs.
Identifiers: ClinVar variation 4978826 (VCV004978826.1).

ClinVar aggregate classification (germline): Likely pathogenic (1 of 4 stars; one submission).

Conditions:
ARL6IP1-related disorder. Also called: ARL6IP1-related condition.

Submission:

PreventionGenetics, part of Exact Sciences
Classification: Likely pathogenic for ARL6IP1-related condition. Last evaluated: 2026-08-18. Review status: criteria provided, single submitter. Criteria: ACMG Guidelines, 2015. Collection method: clinical testing. Allele origin: germline.
Comment: The ARL6IP1 c.533dupG variant is predicted to result in a frameshift and premature protein termination (p.Ile179Asnfs*31). To our knowledge, this variant has not been reported in the literature or in a large population database (gnomAD), indicating this variant is rare. Frameshift variants in ARL6IP1 are expected to be pathogenic. This variant is interpreted as likely pathogenic.